The following is an entry in ClinVar:

ClinVar aggregate classification (germline): Benign/Likely benign. Review status: criteria provided, multiple submitters, no conflicts (2 of 4 stars). 7 submissions from 7 submitters: Benign (1); Likely benign (5). 1 of the submissions does not count toward it. Last evaluated 2026-01-28.

Conditions:
Schinzel-Giedion syndrome (SGS). Identifiers: Orphanet 798, MedGen C0265227, MONDO:0010010, OMIM 269150.
Intellectual developmental disorder, autosomal dominant 29. Also called: Intellectual disability, autosomal dominant 29; SETBP1 Haploinsufficiency Disorder. Identifiers: Orphanet 436151, MedGen C4015141, MONDO:0014482, OMIM 616078.

Allele frequency attached by ClinVar (database versions not stated): TOPMed 0.00009; gnomAD 0.00040 and 0.00003; 1000 Genomes Project 30x 0.00250; gnomAD exomes 0.00066 and 0.00145; ExAC 0.00155; 1000 Genomes Project 0.00220.
gnomAD v4.1: 1,040 of 1,614,100 alleles (0.064%); highest among the groups gnomAD compares: South Asian, 1%; 13 homozygotes.

Submissions (7):

Labcorp Genetics (formerly Invitae), Labcorp
Classification: Benign. Last evaluated: 2026-01-28. Review status: criteria provided, single submitter. Criteria: Invitae Variant Classification Sherloc (09022015). Collection method: clinical testing. Allele origin: germline.

CeGaT Center for Human Genetics Tuebingen
Classification: Likely benign. Last evaluated: 2025-11-01. Review status: criteria provided, single submitter. Criteria: CeGaT Center For Human Genetics Tuebingen Variant Classification Criteria Version 2. Collection method: clinical testing. Allele origin: germline. Affected: yes. Observed: 4 variant alleles.
Comment: SETBP1: BP4, BS1

KCCC/NGS Laboratory, Kuwait Cancer Control Center
Classification: Likely benign for Schinzel-Giedion syndrome. Last evaluated: 2023-07-07. Review status: criteria provided, single submitter. Criteria: ACMG Guidelines, 2015. Collection method: clinical testing. Allele origin: germline. Affected: yes.

Fulgent Genetics
Classification: Likely benign for Schinzel-Giedion syndrome; Intellectual developmental disorder, autosomal dominant 29. Last evaluated: 2021-11-18. Review status: criteria provided, single submitter. Criteria: ACMG Guidelines, 2015. Collection method: clinical testing. Allele origin: unknown.

GeneDx
Classification: Likely benign. Last evaluated: 2020-10-08. Review status: criteria provided, single submitter. Criteria: GeneDx Variant Classification Process June 2021. Collection method: clinical testing. Allele origin: germline. Affected: yes.

Breakthrough Genomics
Classification: Likely benign. Review status: criteria provided, single submitter. Criteria: ACMG Guidelines, 2015. Collection method: not provided. Allele origin: germline. Inheritance: Autosomal dominant inheritance. Affected: yes.

Department of Pathology and Laboratory Medicine, Sinai Health System
Classification: Benign. Review status: no assertion criteria provided. Collection method: clinical testing. Allele origin: unknown. Affected: yes. Study: The Canadian Open Genetics Repository (COGR). Not counted in ClinVar's aggregate classification.
Comment: The SETBP1 p.Thr346Ile variant was not identified in the literature nor was it identified in LOVD 3.0. The variant was identified in dbSNP (ID: rs557430935), Cosmic and ClinVar (classified as likely benign by Illumina for Schinzel-Giedion Midface Retraction Syndrome). The variant was identified in control databases in 364 of 280308 chromosomes (4 homozygous) at a frequency of 0.001299 increasing the likelihood this could be a low frequency benign variant (Genome Aggregation Database March 6, 2019, v2.1.1). The variant was observed in the following populations: South Asian in 340 of 30552 chromosomes (freq: 0.01113), Other in 6 of 7168 chromosomes (freq: 0.000837), Latino in 13 of 35364 chromosomes (freq: 0.000368), East Asian in 1 of 19910 chromosomes (freq: 0.00005), African in 1 of 24702 chromosomes (freq: 0.00004) and European (non-Finnish) in 3 of 127220 chromosomes (freq: 0.000024), but was not observed in the Ashkenazi Jewish or European (Finnish) populations. The p.Thr346 residue is conserved across mammals and other organisms, and four out of five computational analyses (PolyPhen-2, SIFT, AlignGVGD, BLOSUM, MutationTaster) suggest that the variant may impact the protein; however, this information is not predictive enough to assume pathogenicity. The variant occurs outside of the splicing consensus sequence and in silico or computational prediction software programs (SpliceSiteFinder, MaxEntScan, NNSPLICE, GeneSplicer) do not predict a difference in splicing. In summary, based on the above information this variant meets our laboratory's criteria to be classified as benign.

NM_015559.3(SETBP1):c.1037C>T (p.Thr346Ile)

Gene: SETBP1 (SET binding protein 1; plus strand). Cytogenetic location: 18q12.3.
Variant type: single nucleotide variant.
Coding change: c.1037C>T on transcript NM_015559.3 (MANE Select); coding-DNA position 1037, C replaced by T.
Protein change: p.Thr346Ile; replaces threonine 346 with isoleucine.
Molecular consequence: missense variant.
Genome position (GRCh38, 1-based): chr18:44,950,377, C>T. VCF-style: chr18-44950377-C-T. GRCh37 (hg19) VCF-style: chr18-42530342-C-T.
Other names: c.1037C>T, p.Thr346Ile (LRG_1150t1); short protein forms T346I.
Identifiers: ClinVar variation 326734 (VCV000326734.37), dbSNP rs557430935, ClinGen allele CA8945537.
Genomic context (GRCh38, chr18:44,950,377, plus strand): 5'-CAGAACCACCTACGGTGGGCAGCAAGAAAAAGTCCAGTAAAAAAGATGTGATAAGTCAGA[C>T]CATACCAAACCCAGACCTGGATTGGGTCAAGAATGCCCAGAAAGCATTTGACAATACAGA-3'
Protein context (NP_056374.2, residues 336-356): KSSKKDVISQ[Thr346Ile]IPNPDLDWVK